The following is an entry in ClinVar:

NM_005618.4(DLL1):c.533dup (p.Cys179fs)

Gene: DLL1 (delta like canonical Notch ligand 1; minus strand). Cytogenetic location: 6q27.
Variant type: Duplication.
Coding change: c.533dup on transcript NM_005618.4 (MANE Select); coding-DNA position 533, one base duplicated (T; older notation c.533dupT).
Protein change: p.Cys179fs; shifts the reading frame from cysteine 179.
Molecular consequence: frameshift variant.
Genome position (GRCh38, 1-based): chr6:170,288,376, A duplicated on the plus strand (T on the coding strand, the reverse complement: DLL1 is on the minus strand). VCF-style (leftmost placement, unchanged base first): chr6-170288375-C-CA. GRCh37 (hg19) VCF-style: chr6-170597463-C-CA.
Other names: short protein forms C179fs.
Identifiers: ClinVar variation 5038112 (VCV005038112.1).
Genomic context (GRCh38, chr6:170,288,375, plus strand): 5'-GGCATCGTCCCGGGGACGGCAGAAAACGGAGCAGCCCTCTCCGTAGTAGTGTTCGTCACA[C>CA]ACGAAGCGGTAGGAGTACTTGAGGTCCGTGCGGCCGCTGCTGTGCAGGTCCTGGGACCAC-3'

ClinVar aggregate classification (germline): Likely pathogenic (1 of 4 stars; one submission).

Conditions:
Neurodevelopmental disorder with nonspecific brain abnormalities and with or without seizures. Identifiers: MedGen C5231470, MONDO:0032877, OMIM 618709.

Submission:

MVZ Medizinische Genetik Mainz
Classification: Likely pathogenic for Neurodevelopmental disorder with nonspecific brain abnormalities and with or without seizures. Last evaluated: 2025-12-23. Review status: criteria provided, single submitter. Criteria: UK Practice Guidelines For Variant Classification V4 01 2020. Collection method: clinical testing. Allele origin: germline. Inheritance: Autosomal dominant inheritance. Affected: yes. Observed: 1 variant allele.
Comment: ACMG Criteria: PVS1,PM2_SUP